The following is an entry in ClinVar:

NM_002439.5(MSH3):c.2302T>G (p.Trp768Gly)

Gene: MSH3 (mutS homolog 3; plus strand). Cytogenetic location: 5q14.1.
Variant type: single nucleotide variant.
Coding change: c.2302T>G on transcript NM_002439.5 (MANE Select); coding-DNA position 2302, T replaced by G.
Protein change: p.Trp768Gly; replaces tryptophan 768 with glycine.
Molecular consequence: missense variant.
Genome position (GRCh38, 1-based): chr5:80,775,742, T>G. VCF-style: chr5-80775742-T-G. GRCh37 (hg19) VCF-style: chr5-80071561-T-G.
Other names: c.2302T>G (NM_002439.3); short protein forms W768G.
Identifiers: ClinVar variation 4717938 (VCV004717938.2).

ClinVar aggregate classification (germline): Uncertain significance. Review status: criteria provided, multiple submitters, no conflicts (2 of 4 stars). 2 submissions from 2 submitters: Uncertain significance (2). Last evaluated 2026-06-24.

Conditions:
Hereditary cancer-predisposing syndrome. Also called: Hereditary Cancer Syndrome; Hereditary neoplastic syndrome; Neoplastic Syndromes, Hereditary; Tumor predisposition. Identifiers: Orphanet 140162, MedGen C0027672, MeSH D009386, MONDO:0015356.

Submissions (2):

Ambry Genetics
Classification: Uncertain significance for Hereditary cancer-predisposing syndrome. Last evaluated: 2026-06-24. Review status: criteria provided, single submitter. Criteria: Ambry Variant Classification Scheme 2023. Collection method: clinical testing. Allele origin: germline.
Comment: The p.W768G variant (also known as c.2302T>G), located in coding exon 16 of the MSH3 gene, results from a T to G substitution at nucleotide position 2302. The tryptophan at codon 768 is replaced by glycine, an amino acid with highly dissimilar properties. This amino acid position is conserved. In addition, this alteration is predicted to be deleterious by in silico analysis. Based on the available evidence, the clinical significance of this variant remains unclear.

Labcorp Genetics (formerly Invitae), Labcorp
Classification: Uncertain significance. Last evaluated: 2025-04-27. Review status: criteria provided, single submitter. Criteria: Invitae Variant Classification Sherloc (09022015). Collection method: clinical testing. Allele origin: germline.
Comment: This sequence change replaces tryptophan, which is neutral and slightly polar, with glycine, which is neutral and non-polar, at codon 768 of the MSH3 protein (p.Trp768Gly). This variant is not present in population databases (gnomAD no frequency). This variant has not been reported in the literature in individuals affected with MSH3-related conditions. An algorithm developed to predict the effect of missense changes on protein structure and function (PolyPhen-2) suggests that this variant is likely to be disruptive. In summary, the available evidence is currently insufficient to determine the role of this variant in disease. Therefore, it has been classified as a Variant of Uncertain Significance.